The following is an entry in ClinVar:

ClinVar aggregate classification (germline): Uncertain significance (1 of 4 stars; one submission).

Conditions:
KSR2-related disorder. Also called: KSR2-related condition.

gnomAD v4.1: 9 of 1,613,712 alleles (0.00056%); highest among the groups gnomAD compares: East Asian, 0.0045%; no homozygotes.

Submission:

PreventionGenetics, part of Exact Sciences
Classification: Uncertain significance for KSR2-related condition. Last evaluated: 2026-07-14. Review status: criteria provided, single submitter. Criteria: ACMG Guidelines, 2015. Collection method: clinical testing. Allele origin: germline.
Comment: The KSR2 c.875G>A variant is predicted to result in the amino acid substitution p.Arg292His. To our knowledge, this variant has not been reported in the literature. This variant is reported in 0.0083% of alleles in individuals of African descent in gnomAD. At this time, the clinical significance of this variant is uncertain due to the absence of conclusive functional and genetic evidence.

NM_173598.6(KSR2):c.962G>A (p.Arg321His)

Gene: KSR2 (kinase suppressor of ras 2; minus strand). Cytogenetic location: 12q24.23.
Variant type: single nucleotide variant.
Coding change: c.962G>A on transcript NM_173598.6 (MANE Select); coding-DNA position 962, G replaced by A.
Protein change: p.Arg321His; replaces arginine 321 with histidine.
Molecular consequence: missense variant.
Genome position (GRCh38, 1-based): chr12:117,761,035, C>T on the plus strand (G>A on the coding strand, the complement: KSR2 is on the minus strand). VCF-style: chr12-117761035-C-T. GRCh37 (hg19) VCF-style: chr12-118198840-C-T.
Other names: short protein forms R321H.
Identifiers: ClinVar variation 4995441 (VCV004995441.1).